The following is an entry in ClinVar:

ClinVar aggregate classification (germline): Pathogenic (1 of 4 stars; one submission).

Submission:

Labcorp Genetics (formerly Invitae), Labcorp
Classification: Pathogenic. Last evaluated: 2023-07-13. Review status: criteria provided, single submitter. Criteria: Invitae Variant Classification Sherloc (09022015). Collection method: clinical testing. Allele origin: germline.
Comment: For these reasons, this variant has been classified as Pathogenic. This variant has not been reported in the literature in individuals affected with LRRK1-related conditions. This variant is not present in population databases (gnomAD no frequency). This sequence change creates a premature translational stop signal (p.Phe1655Serfs*29) in the LRRK1 gene. It is expected to result in an absent or disrupted protein product. Loss-of-function variants in LRRK1 are known to be pathogenic (PMID: 23526378, 31571209, 32119750).

Literature cited by the submitters: PubMed 23526378; PubMed 31571209; PubMed 32119750.

NM_024652.6(LRRK1):c.4962_4963del (p.Phe1655fs)

Genes: LRRK1 (leucine rich repeat kinase 1; plus strand), LRRK1-AS1 (LRRK1 antisense RNA 1; minus strand). Cytogenetic location: 15q26.3.
Variant type: Microsatellite.
Coding change: c.4962_4963del on transcript NM_024652.6 (MANE Select); coding-DNA positions 4962 to 4963, 2 bases deleted (GT; older notation c.4962_4963delGT).
Protein change: p.Phe1655fs; shifts the reading frame from phenylalanine 1655.
Molecular consequence: frameshift variant.
Genome position (GRCh38, 1-based): chr15:101,065,399-101,065,400, GT deleted; deleting any 2 consecutive bases within chr15:101,065,396-101,065,400 gives the same sequence; the c. name uses the placement nearest the transcript's 3' end. VCF-style (leftmost placement, unchanged base first): chr15-101065395-CTG-C. GRCh37 (hg19) VCF-style: chr15-101605600-CTG-C.
Other names: short protein forms F1655fs.
Identifiers: ClinVar variation 2727686 (VCV002727686.3), dbSNP rs2036471632, ClinGen allele CA2200340186.